The following is an entry in ClinVar:

ClinVar aggregate classification (germline): Uncertain significance. Review status: criteria provided, multiple submitters, no conflicts (2 of 4 stars). 2 submissions from 2 submitters: Uncertain significance (2). Last evaluated 2024-05-15.

Allele frequency attached by ClinVar (database versions not stated): TOPMed below 0.00001.
gnomAD v4.1: 1 of 1,613,506 alleles (0.000062%); highest among the groups gnomAD compares: Admixed American, 0.0017%; no homozygotes.

Submissions (2):

Labcorp Genetics (formerly Invitae), Labcorp
Classification: Uncertain significance. Last evaluated: 2024-05-15. Review status: criteria provided, single submitter. Criteria: Invitae Variant Classification Sherloc (09022015). Collection method: clinical testing. Allele origin: germline.
Comment: This sequence change replaces tyrosine, which is neutral and polar, with phenylalanine, which is neutral and non-polar, at codon 516 of the WDFY3 protein (p.Tyr516Phe). This variant is not present in population databases (gnomAD no frequency). This variant has not been reported in the literature in individuals affected with WDFY3-related conditions. ClinVar contains an entry for this variant (Variation ID: 1712684). Advanced modeling of protein sequence and biophysical properties (such as structural, functional, and spatial information, amino acid conservation, physicochemical variation, residue mobility, and thermodynamic stability) performed at Invitae indicates that this missense variant is not expected to disrupt WDFY3 protein function with a negative predictive value of 80%. In summary, the available evidence is currently insufficient to determine the role of this variant in disease. Therefore, it has been classified as a Variant of Uncertain Significance.

GeneDx
Classification: Uncertain significance. Last evaluated: 2022-10-26. Review status: criteria provided, single submitter. Criteria: GeneDx Variant Classification Process June 2021. Collection method: clinical testing. Allele origin: germline. Affected: yes.
Comment: Not observed in large population cohorts (gnomAD); In silico analysis supports that this missense variant does not alter protein structure/function; Has not been previously published as pathogenic or benign to our knowledge

NM_014991.6(WDFY3):c.1547A>T (p.Tyr516Phe)

Gene: WDFY3 (WD repeat and FYVE domain containing 3; minus strand). Cytogenetic location: 4q21.23.
Variant type: single nucleotide variant.
Coding change: c.1547A>T on transcript NM_014991.6 (MANE Select); coding-DNA position 1547, A replaced by T.
Protein change: p.Tyr516Phe; replaces tyrosine 516 with phenylalanine.
Molecular consequence: missense variant.
Genome position (GRCh38, 1-based): chr4:84,821,128, T>A on the plus strand (A>T on the coding strand, the complement: WDFY3 is on the minus strand). VCF-style: chr4-84821128-T-A. GRCh37 (hg19) VCF-style: chr4-85742281-T-A.
Other names: short protein forms Y516F.
Identifiers: ClinVar variation 1712684 (VCV001712684.4), dbSNP rs1753995823, ClinGen allele CA357571767.